The following is an entry in ClinVar:

ClinVar aggregate classification (germline): Benign (1 of 4 stars; one submission).

Allele frequency attached by ClinVar (database versions not stated): 1000 Genomes Project 0.00260; 1000 Genomes Project 30x 0.00281; gnomAD 0.00801; TOPMed 0.00835.

Submission:

CeGaT Center for Human Genetics Tuebingen
Classification: Benign. Last evaluated: 2023-01-01. Review status: criteria provided, single submitter. Criteria: CeGaT Center For Human Genetics Tuebingen Variant Classification Criteria Version 2. Collection method: clinical testing. Allele origin: germline. Affected: yes. Observed: 1 variant allele.
Comment: MAGI2: BS1, BS2

NM_012301.4(MAGI2):c.539-32942G>A

Gene: MAGI2 (membrane associated guanylate kinase, WW and PDZ domain containing 2; minus strand). Cytogenetic location: 7q21.11.
Variant type: single nucleotide variant.
Coding change: c.539-32942G>A on transcript NM_012301.4 (MANE Select); 32942 bases into the intron before coding-DNA position 539, G replaced by A.
Molecular consequence: intron variant.
Genome position (GRCh38, 1-based): chr7:78,554,587, C>T on the plus strand (G>A on the coding strand, the complement: MAGI2 is on the minus strand). VCF-style: chr7-78554587-C-T. GRCh37 (hg19) VCF-style: chr7-78183904-C-T.
Other names: c.539-32942G>A (NM_001301128.2).
Identifiers: ClinVar variation 2499046 (VCV002499046.28), dbSNP rs138231395, ClinGen allele CA161254008.